The following is an entry in ClinVar:

ClinVar aggregate classification (germline): Uncertain significance. Review status: criteria provided, multiple submitters, no conflicts (2 of 4 stars). 2 submissions from 2 submitters: Uncertain significance (2). Last evaluated 2025-08-01.

Conditions:
Early-infantile DEE. Also called: Early infantile epileptic encephalopathy; Early infantile epileptic encephalopathy with suppression bursts; Ohtahara syndrome. Identifiers: Orphanet 1934, MedGen C0393706, MONDO:0800491.

Allele frequency attached by ClinVar (database versions not stated): gnomAD exomes below 0.00001.
gnomAD v4.1: 3 of 1,613,908 alleles (0.00019%); highest among the groups gnomAD compares: Non-Finnish European, 0.00025%; no homozygotes.

Submissions (2):

CeGaT Center for Human Genetics Tuebingen
Classification: Uncertain significance. Last evaluated: 2025-08-01. Review status: criteria provided, single submitter. Criteria: CeGaT Center For Human Genetics Tuebingen Variant Classification Criteria Version 2. Collection method: clinical testing. Allele origin: germline. Affected: yes. Observed: 1 variant allele.
Comment: SCN8A: PM2, PP2

Labcorp Genetics (formerly Invitae), Labcorp
Classification: Uncertain significance for Early-infantile DEE. Last evaluated: 2023-10-13. Review status: criteria provided, single submitter. Criteria: Invitae Variant Classification Sherloc (09022015). Collection method: clinical testing. Allele origin: germline.
Comment: This sequence change replaces isoleucine, which is neutral and non-polar, with valine, which is neutral and non-polar, at codon 749 of the SCN8A protein (p.Ile749Val). This variant is present in population databases (no rsID available, gnomAD 0.0009%). This variant has not been reported in the literature in individuals affected with SCN8A-related conditions. ClinVar contains an entry for this variant (Variation ID: 1018715). Advanced modeling of protein sequence and biophysical properties (such as structural, functional, and spatial information, amino acid conservation, physicochemical variation, residue mobility, and thermodynamic stability) performed at Invitae indicates that this missense variant is not expected to disrupt SCN8A protein function. In summary, the available evidence is currently insufficient to determine the role of this variant in disease. Therefore, it has been classified as a Variant of Uncertain Significance.

NM_001330260.2(SCN8A):c.2245A>G (p.Ile749Val)

Gene: SCN8A (sodium voltage-gated channel alpha subunit 8; plus strand). Cytogenetic location: 12q13.13.
Variant type: single nucleotide variant.
Coding change: c.2245A>G on transcript NM_001330260.2 (MANE Select); coding-DNA position 2245, A replaced by G.
Protein change: p.Ile749Val; replaces isoleucine 749 with valine.
Molecular consequence: missense variant.
Genome position (GRCh38, 1-based): chr12:51,751,468, A>G. VCF-style: chr12-51751468-A-G. GRCh37 (hg19) VCF-style: chr12-52145252-A-G.
Other names: c.2245A>G, p.Ile749Val (NM_001177984.3, NM_001369788.1, NM_014191.4); short protein forms I749V.
Identifiers: ClinVar variation 1018715 (VCV001018715.17), dbSNP rs1331549282, ClinGen allele CA384879948.